The following is an entry in ClinVar:

NM_017617.5(NOTCH1):c.1462G>C (p.Glu488Gln)

Gene: NOTCH1 (notch receptor 1; minus strand). Cytogenetic location: 9q34.3.
Variant type: single nucleotide variant.
Coding change: c.1462G>C on transcript NM_017617.5 (MANE Select); coding-DNA position 1462, G replaced by C.
Protein change: p.Glu488Gln; replaces glutamic acid 488 with glutamine.
Molecular consequence: missense variant.
Genome position (GRCh38, 1-based): chr9:136,517,365, C>G on the plus strand (G>C on the coding strand, the complement: NOTCH1 is on the minus strand). VCF-style: chr9-136517365-C-G. GRCh37 (hg19) VCF-style: chr9-139411817-C-G.
Other names: short protein forms E488Q.
Identifiers: ClinVar variation 3226950 (VCV003226950.1), dbSNP rs753661188, ClinGen allele CA375562568.
Genomic context (GRCh38, chr9:136,517,365, plus strand): 5'-TGTCCAGGCAGCGGCCATTGTGCAGGCAGGGGCTGCTGGCACACTCGTCTGTGTTGACCT[C>G]GCAGTGCACACCCTCGTAGCCTGTGGGGTGGGGCAACAGTGAGGGGGGCACGCGCGGCCC-3'
Protein context (NP_060087.3, residues 478-498): CMPGYEGVHC[Glu488Gln]VNTDECASSP

ClinVar aggregate classification (germline): Uncertain significance (1 of 4 stars; one submission).

Conditions:
Familial thoracic aortic aneurysm and aortic dissection (TAAD). Also called: Thoracic aortic aneurysms and dissections. Identifiers: Orphanet 91387, MedGen C4707243, MONDO:0019625.

Submission:

Ambry Genetics
Classification: Uncertain significance for Familial thoracic aortic aneurysm and aortic dissection. Last evaluated: 2024-03-04. Review status: criteria provided, single submitter. Criteria: Ambry Variant Classification Scheme 2023. Collection method: clinical testing. Allele origin: germline.
Comment: The p.E488Q variant (also known as c.1462G>C), located in coding exon 9 of the NOTCH1 gene, results from a G to C substitution at nucleotide position 1462. The glutamic acid at codon 488 is replaced by glutamine, an amino acid with highly similar properties. This amino acid position is conserved. In addition, the in silico prediction for this alteration is inconclusive. Based on the available evidence, the clinical significance of this alteration remains unclear.